The following is an entry in ClinVar:

ClinVar aggregate classification (germline): Uncertain significance (1 of 4 stars; one submission).

gnomAD v4.1: 20 of 1,541,068 alleles (0.0013%); highest among the groups gnomAD compares: East Asian, 0.034%; no homozygotes.

Submission:

GeneDx
Classification: Uncertain significance. Last evaluated: 2024-06-05. Review status: criteria provided, single submitter. Criteria: GeneDx Variant Classification Process June 2021. Collection method: clinical testing. Allele origin: germline. Affected: yes.
Comment: In silico analysis supports that this missense variant does not alter protein structure/function; Has not been previously published as pathogenic or benign to our knowledge

NM_001367624.2(ZNF469):c.3514C>T (p.Arg1172Cys)

Gene: ZNF469 (zinc finger protein 469; plus strand). Cytogenetic location: 16q24.2.
Variant type: single nucleotide variant.
Coding change: c.3514C>T on transcript NM_001367624.2 (MANE Select); coding-DNA position 3514, C replaced by T.
Protein change: p.Arg1172Cys; replaces arginine 1172 with cysteine.
Molecular consequence: missense variant.
Genome position (GRCh38, 1-based): chr16:88,430,984, C>T. VCF-style: chr16-88430984-C-T. GRCh37 (hg19) VCF-style: chr16-88497392-C-T.
Other names: NM_001127464.1:c.3430C>T; short protein forms R1172C.
Identifiers: ClinVar variation 3384379 (VCV003384379.1).